The following is an entry in ClinVar:

ClinVar aggregate classification (germline): Uncertain significance. Review status: criteria provided, multiple submitters, no conflicts (2 of 4 stars). 2 submissions from 2 submitters: Uncertain significance (2). Last evaluated 2025-09-02.

Conditions:
POLD1-related polyposis and colorectal cancer syndrome (CRCS10). Also called: Colorectal cancer 10; COLORECTAL CANCER, SUSCEPTIBILITY TO, ON CHROMOSOME 19q; Colorectal cancer, susceptibility to, 10. Identifiers: Orphanet 220460, MedGen C2675481, MONDO:0012953, OMIM 612591.
Hereditary cancer-predisposing syndrome. Also called: Tumor predisposition; Neoplastic Syndromes, Hereditary; Hereditary Cancer Syndrome; Hereditary neoplastic syndrome. Identifiers: Orphanet 140162, MedGen C0027672, MeSH D009386, MONDO:0015356.

Allele frequency attached by ClinVar (database versions not stated): TOPMed below 0.00001; gnomAD 0.00001.
gnomAD v4.1: 2 of 1,611,924 alleles (0.00012%); highest among the groups gnomAD compares: African/African-American, 0.0013%; no homozygotes.

Submissions (2):

Labcorp Genetics (formerly Invitae), Labcorp
Classification: Uncertain significance for POLD1-related polyposis and colorectal cancer syndrome. Last evaluated: 2025-09-02. Review status: criteria provided, single submitter. Criteria: Invitae Variant Classification Sherloc (09022015). Collection method: clinical testing. Allele origin: germline.
Comment: This sequence change creates a premature translational stop signal (p.Trp781*) in the POLD1 gene. Missense variants that disrupt the 3'-5' exonuclease (proof-reading) activity of the POLD1 protein are associated with PPAP (polymerase proofreading–associated polyposis) (PMID: 23263490, 23447401). However, loss-of-function variants that result in an absent or severely disrupted POLD1 protein, and missense variants outside the exonuclease domain, are unlikely to be associated with PPAP. This variant is present in population databases (no rsID available, gnomAD 0.0009%). This variant has not been reported in the literature in individuals affected with POLD1-related conditions. ClinVar contains an entry for this variant (Variation ID: 2120821). In summary, the available evidence is currently insufficient to determine the role of this variant in disease. Therefore, it has been classified as a Variant of Uncertain Significance.

Ambry Genetics
Classification: Uncertain significance for Hereditary cancer-predisposing syndrome. Last evaluated: 2025-01-27. Review status: criteria provided, single submitter. Criteria: Ambry Variant Classification Scheme 2023. Collection method: clinical testing. Allele origin: germline.
Comment: The p.W781* variant (also known as c.2342G>A), located in coding exon 18 of the POLD1 gene, results from a G to A substitution at nucleotide position 2342. This changes the amino acid from a tryptophan to a stop codon within coding exon 18. This alteration is expected to result in loss of function by premature protein truncation or nonsense-mediated mRNA decay. However, loss of function of POLD1 has not been established as a mechanism of disease. Based on the available evidence, the clinical significance of this alteration remains unclear.

Literature cited by the submitters: PubMed 23263490 (cited by Labcorp Genetics (formerly Invitae), Labcorp); PubMed 23447401 (cited by Labcorp Genetics (formerly Invitae), Labcorp).

NM_002691.4(POLD1):c.2342G>A (p.Trp781Ter)

Gene: POLD1 (DNA polymerase delta 1, catalytic subunit; plus strand). Cytogenetic location: 19q13.33.
Variant type: single nucleotide variant.
Coding change: c.2342G>A on transcript NM_002691.4 (MANE Select); coding-DNA position 2342, G replaced by A.
Protein change: p.Trp781Ter; replaces tryptophan 781 with a stop codon.
Molecular consequence: nonsense. On other transcripts: non-coding transcript variant (1).
Genome position (GRCh38, 1-based): chr19:50,413,833, G>A. VCF-style: chr19-50413833-G-A. GRCh37 (hg19) VCF-style: chr19-50917090-G-A.
Other names: c.2342G>A (NM_002691.2); c.2342G>A, p.Trp781Ter (NM_001256849.1); c.2420G>A, p.Trp807Ter (NM_001308632.1); short protein forms W781*, W807*.
Identifiers: ClinVar variation 2120821 (VCV002120821.5), dbSNP rs1434951609, ClinGen allele CA406984249.